The following is an entry in ClinVar:

ClinVar aggregate classification (germline): Pathogenic (1 of 4 stars; one submission).

Conditions:
Chédiak-Higashi syndrome (CHS). Also called: Chediak-Higashi Syndrome. Identifiers: Orphanet 167, MedGen C0007965, MONDO:0008963, OMIM 214500.

Submission:

Labcorp Genetics (formerly Invitae), Labcorp
Classification: Pathogenic for Chédiak-Higashi syndrome. Last evaluated: 2023-07-14. Review status: criteria provided, single submitter. Criteria: Invitae Variant Classification Sherloc (09022015). Collection method: clinical testing. Allele origin: germline.
Comment: For these reasons, this variant has been classified as Pathogenic. This variant has not been reported in the literature in individuals affected with LYST-related conditions. This variant is a gross deletion of the genomic region encompassing exon(s) 51 of the LYST gene. This deletion is out-of-frame, and is expected to create a premature termination codon and result in an absent or disrupted protein product. Loss-of-function variants in LYST are known to be pathogenic (PMID: 9215679, 11857544).

Literature cited by the submitters: PubMed 9215679; PubMed 11857544.

NC_000001.10:g.(?_235827745)_(235827941_?)del

Gene: LYST (lysosomal trafficking regulator; minus strand). Cytogenetic location: 1q42.3.
Variant type: Deletion.
Identifiers: ClinVar variation 2422313 (VCV002422313.3).